The following is an entry in ClinVar:

NM_000548.5(TSC2):c.4736dup (p.Arg1580fs)

Gene: TSC2 (TSC complex subunit 2; plus strand). Cytogenetic location: 16p13.3.
Variant type: Duplication.
Coding change: c.4736dup on transcript NM_000548.5 (MANE Select); coding-DNA position 4736, one base duplicated (G; older notation c.4736dupG).
Protein change: p.Arg1580fs; shifts the reading frame from arginine 1580.
Molecular consequence: frameshift variant.
Genome position (GRCh38, 1-based): chr16:2,086,266, G duplicated; the last of 3 consecutive G bases (chr16:2,086,264-2,086,266); duplicating any one gives the same sequence. VCF-style (leftmost placement, unchanged base first): chr16-2086263-T-TG. GRCh37 (hg19) VCF-style: chr16-2136264-T-TG.
Other names: c.4535dup, p.Arg1513fs (NM_001077183.3); c.4667dup, p.Arg1557fs (NM_001114382.3); c.4427dup, p.Arg1477fs (NM_001318827.2); c.4391dup, p.Arg1465fs (NM_001318829.2); c.4004dup, p.Arg1336fs (NM_001318831.2); c.4568dup, p.Arg1524fs (NM_001318832.2); c.4538dup, p.Arg1514fs (NM_001363528.2); c.4604dup, p.Arg1536fs (NM_001370404.1); and 1 more; short protein forms R1537fs, R1557fs, R1465fs, R1524fs, R1477fs, R1514fs, R1580fs, R1336fs.
Identifiers: ClinVar variation 847992 (VCV000847992.7), dbSNP rs2090775918, ClinGen allele CA916081786.

ClinVar aggregate classification (germline): Pathogenic (1 of 4 stars; one submission).

Conditions:
Tuberous sclerosis 2 (TSC2). Identifiers: Orphanet 805, MedGen C1860707, MONDO:0013199, OMIM 613254.

Submission:

Labcorp Genetics (formerly Invitae), Labcorp
Classification: Pathogenic for Tuberous sclerosis 2. Last evaluated: 2019-03-13. Review status: criteria provided, single submitter. Criteria: Invitae Variant Classification Sherloc (09022015). Collection method: clinical testing. Allele origin: germline.
Comment: For these reasons, this variant has been classified as Pathogenic. Loss-of-function variants in TSC2 are known to be pathogenic (PMID: 10205261, 17304050). This variant has not been reported in the literature in individuals with TSC2-related conditions. This variant is not present in population databases (ExAC no frequency). This sequence change creates a premature translational stop signal (p.Arg1580Profs*23) in the TSC2 gene. It is expected to result in an absent or disrupted protein product.

Literature cited by the submitters: PubMed 10205261; PubMed 17304050.